The following is an entry in ClinVar:

ClinVar aggregate classification (germline): Uncertain significance (1 of 4 stars; one submission).

Allele frequency attached by ClinVar (database versions not stated): gnomAD exomes below 0.00001.
gnomAD v4.1: 1 of 1,614,106 alleles (0.000062%); highest among the groups gnomAD compares: Admixed American, 0.0017%; no homozygotes.

Submission:

Labcorp Genetics (formerly Invitae), Labcorp
Classification: Uncertain significance. Last evaluated: 2022-12-06. Review status: criteria provided, single submitter. Criteria: Invitae Variant Classification Sherloc (09022015). Collection method: clinical testing. Allele origin: germline.
Comment: In summary, the available evidence is currently insufficient to determine the role of this variant in disease. Therefore, it has been classified as a Variant of Uncertain Significance. Algorithms developed to predict the effect of missense changes on protein structure and function are either unavailable or do not agree on the potential impact of this missense change (SIFT: "Deleterious"; PolyPhen-2: "Probably Damaging"; Align-GVGD: "Class C0"). This variant has not been reported in the literature in individuals affected with TET2-related conditions. This variant is not present in population databases (gnomAD no frequency). This sequence change replaces proline, which is neutral and non-polar, with leucine, which is neutral and non-polar, at codon 101 of the TET2 protein (p.Pro101Leu).

NM_001127208.3(TET2):c.302C>T (p.Pro101Leu)

Genes: TET2 (tet methylcytosine dioxygenase 2; plus strand), TET2-AS1 (TET2 antisense RNA 1; minus strand). Cytogenetic location: 4q24.
Variant type: single nucleotide variant.
Coding change: c.302C>T on transcript NM_001127208.3 (MANE Select); coding-DNA position 302, C replaced by T.
Protein change: p.Pro101Leu; replaces proline 101 with leucine.
Molecular consequence: missense variant.
Genome position (GRCh38, 1-based): chr4:105,234,244, C>T. VCF-style: chr4-105234244-C-T. GRCh37 (hg19) VCF-style: chr4-106155401-C-T.
Other names: c.302C>T, p.Pro101Leu (NM_017628.4); short protein forms P101L.
Identifiers: ClinVar variation 2978063 (VCV002978063.3), dbSNP rs1156737666, ClinGen allele CA357791161.